The following is an entry in ClinVar:

NM_001145809.2(MYH14):c.2695-90G>A

Gene: MYH14 (myosin heavy chain 14; plus strand). Cytogenetic location: 19q13.33.
Variant type: single nucleotide variant.
Coding change: c.2695-90G>A on transcript NM_001145809.2 (MANE Select); 90 bases into the intron before coding-DNA position 2695, G replaced by A.
Molecular consequence: intron variant.
Genome position (GRCh38, 1-based): chr19:50,266,787, G>A. VCF-style: chr19-50266787-G-A. GRCh37 (hg19) VCF-style: chr19-50770044-G-A.
Other names: c.2596-90G>A (NM_001077186.2); c.2572-90G>A (NM_024729.4).
Identifiers: ClinVar variation 667615 (VCV000667615.2), dbSNP rs3745502, ClinGen allele CA309560440.
Genomic context (GRCh38, chr19:50,266,787, plus strand): 5'-AGGCCTGTGACCAGGGACTGTTGCCAAGGCGGGGACACACAGCTAATAGGTGGAGGAGAA[G>A]GGATTTGAACCCAGAAACTCAAACCCCACTAAGAGTGTGAGGTCTTGGCGCCTGAAGTCA-3'

ClinVar aggregate classification (germline): Benign. Review status: criteria provided, multiple submitters, no conflicts (2 of 4 stars). 2 submissions from 2 submitters: Benign (2). Last evaluated 2018-06-14.

Allele frequency attached by ClinVar (database versions not stated): gnomAD exomes 0.11528; gnomAD 0.11927 and 0.12498; TOPMed 0.12202; 1000 Genomes Project 30x 0.17536; 1000 Genomes Project 0.18051.
gnomAD v4.1: 176,668 of 1,513,214 alleles (12%); highest among the groups gnomAD compares: East Asian, 26%; 11,923 homozygotes.

Submissions (2):

GeneDx
Classification: Benign. Last evaluated: 2018-06-14. Review status: criteria provided, single submitter. Criteria: GeneDx Variant Classification (06012015). Collection method: clinical testing. Allele origin: germline. Affected: yes.
Comment: This variant is considered likely benign or benign based on one or more of the following criteria: it is a conservative change, it occurs at a poorly conserved position in the protein, it is predicted to be benign by multiple in silico algorithms, and/or has population frequency not consistent with disease.

Breakthrough Genomics
Classification: Benign. Review status: criteria provided, single submitter. Criteria: ACMG Guidelines, 2015. Collection method: not provided. Allele origin: germline. Inheritance: Autosomal dominant inheritance. Affected: yes.